The following is an entry in ClinVar:

ClinVar aggregate classification (germline): Benign/Likely benign. Review status: criteria provided, multiple submitters, no conflicts (2 of 4 stars). 6 submissions from 6 submitters: Benign (4); Likely benign (1). 1 of the submissions does not count toward it. Last evaluated 2026-02-04.

Conditions:
NLRP1-related disorder. Also called: NLRP1-related condition.

Allele frequency attached by ClinVar (database versions not stated): 1000 Genomes Project 30x 0.02733; 1000 Genomes Project 0.02796; gnomAD 0.05981 and 0.06174; TOPMed 0.06024; ExAC 0.06238; gnomAD exomes 0.06270 and 0.07729; ESP Exome Variant Server 0.06943.
gnomAD v4.1: 122,049 of 1,614,026 alleles (7.6%); highest among the groups gnomAD compares: Non-Finnish European, 8.7%; 5,252 homozygotes.

Submissions (6):

Labcorp Genetics (formerly Invitae), Labcorp
Classification: Benign. Last evaluated: 2026-02-04. Review status: criteria provided, single submitter. Criteria: Invitae Variant Classification Sherloc (09022015). Collection method: clinical testing. Allele origin: germline.

Women's Health and Genetics/Laboratory Corporation of America, LabCorp
Classification: Benign. Last evaluated: 2026-01-21. Review status: criteria provided, single submitter. Criteria: LabCorp Variant Classification Summary - May 2015. Collection method: clinical testing. Allele origin: germline.

Blueprint Genetics
Classification: Likely benign. Last evaluated: 2024-11-27. Review status: criteria provided, single submitter. Criteria: ACMG Guidelines, 2015. Collection method: clinical testing. Allele origin: germline.

Mayo Clinic Laboratories, Mayo Clinic
Classification: Benign. Last evaluated: 2022-09-06. Review status: criteria provided, single submitter. Criteria: ACMG Guidelines, 2015. Collection method: clinical testing. Allele origin: germline. Observed: 66 variant alleles.

Breakthrough Genomics
Classification: Benign. Review status: criteria provided, single submitter. Criteria: ACMG Guidelines, 2015. Collection method: not provided. Allele origin: germline. Inheritance: Autosomal recessive inheritance. Affected: yes.

PreventionGenetics, part of Exact Sciences
Classification: Benign for NLRP1-related condition. Last evaluated: 2019-05-15. Review status: no assertion criteria provided. Collection method: clinical testing. Allele origin: germline. Not counted in ClinVar's aggregate classification.
Comment: This variant is classified as benign based on ACMG/AMP sequence variant interpretation guidelines (Richards et al. 2015 PMID: 25741868, with internal and published modifications).

NM_033004.4(NLRP1):c.1776G>A (p.Arg592=)

Gene: NLRP1 (NLR family pyrin domain containing 1; minus strand). Cytogenetic location: 17p13.2.
Variant type: single nucleotide variant.
Coding change: c.1776G>A on transcript NM_033004.4 (MANE Select); coding-DNA position 1776, G replaced by A.
Protein change: p.Arg592=; no amino-acid change (arginine 592 retained).
Molecular consequence: synonymous variant.
Genome position (GRCh38, 1-based): chr17:5,558,920, C>T on the plus strand (G>A on the coding strand, the complement: NLRP1 is on the minus strand). VCF-style: chr17-5558920-C-T. GRCh37 (hg19) VCF-style: chr17-5462240-C-T.
Other names: p.Arg592=; c.1776G>A (NM_033004.3); c.1776G>A, p.Arg592= (NM_001033053.3, NM_014922.5, NM_033006.4 and 1 more transcripts).
Identifiers: ClinVar variation 1164602 (VCV001164602.15), dbSNP rs61753142, ClinGen allele CA8327327.